The following is an entry in ClinVar:

ClinVar aggregate classification (germline): Likely benign (1 of 4 stars; one submission).

gnomAD v4.1: 523 of 1,610,928 alleles (0.032%); highest among the groups gnomAD compares: Middle Eastern, 0.3%; 2 homozygotes.

Submission:

CeGaT Center for Human Genetics Tuebingen
Classification: Likely benign. Last evaluated: 2026-08-01. Review status: criteria provided, single submitter. Criteria: CeGaT Center For Human Genetics Tuebingen Variant Classification Criteria Version 2. Collection method: clinical testing. Allele origin: germline. Affected: yes. Observed: 2 variant alleles.
Comment: TNFSF4: BP4, BP7

NM_003326.5(TNFSF4):c.246G>A (p.Glu82=)

Gene: TNFSF4 (TNF superfamily member 4; minus strand). Cytogenetic location: 1q25.1.
Variant type: single nucleotide variant.
Coding change: c.246G>A on transcript NM_003326.5 (MANE Select); coding-DNA position 246, G replaced by A.
Protein change: p.Glu82=; no amino-acid change (glutamic acid 82 retained).
Molecular consequence: synonymous variant.
Genome position (GRCh38, 1-based): chr1:173,186,822, C>T on the plus strand (G>A on the coding strand, the complement: TNFSF4 is on the minus strand). VCF-style: chr1-173186822-C-T. GRCh37 (hg19) VCF-style: chr1-173155961-C-T.
Other names: c.96G>A, p.Glu32= (NM_001297562.2).
Identifiers: ClinVar variation 4083814 (VCV004083814.8).